The following is an entry in ClinVar:

ClinVar aggregate classification (germline): Likely pathogenic (1 of 4 stars; one submission).

Submission:

Ambry Genetics
Classification: Likely pathogenic. Last evaluated: 2026-06-16. Review status: criteria provided, single submitter. Criteria: Ambry Variant Classification Scheme 2023. Collection method: clinical testing. Allele origin: germline.
Comment: The c.97delA variant, located in coding exon 1 of the MLH3 gene, results from a deletion of one nucleotide at nucleotide position 97, causing a translational frameshift with a predicted alternate stop codon (p.S33Vfs*13). The predicted stop codon occurs in the 5&rsquo; end of thegene. Premature termination codons in the 5&rsquo; end of a gene have been reported to escape nonsense-mediated mRNAdecay and/or lead to re-initiation (Rivas et al. Science. 2015 May 8;348(6235):666-9; Lindeboom et al. Nat Genet. 2016 Oct;48(10):1112-8; Rhee et al. Sci Rep. 2017 May 10;7(1):1653). Direct evidence for this variant is unavailable, however premature termination codons are typically deleterious in nature and the impacted region is critical for protein function (Ambry internal data). This variant is considered to be rare based on population cohorts in the Genome Aggregation Database (gnomAD). Based on the majority of available evidence to date, this variant is likely to be pathogenic.

NM_001040108.2(MLH3):c.97del (p.Ser33fs)

Gene: MLH3 (mutL homolog 3; minus strand). Cytogenetic location: 14q24.3.
Variant type: Deletion.
Coding change: c.97del on transcript NM_001040108.2 (MANE Select); coding-DNA position 97, one base deleted (A; older notation c.97delA).
Protein change: p.Ser33fs; shifts the reading frame from serine 33.
Molecular consequence: frameshift variant.
Genome position (GRCh38, 1-based): chr14:75,049,559, T deleted on the plus strand (A on the coding strand, the reverse complement: MLH3 is on the minus strand). VCF-style (leftmost placement, unchanged base first): chr14-75049558-CT-C. GRCh37 (hg19) VCF-style: chr14-75516261-CT-C.
Other names: c.97del, p.Ser33fs (NM_014381.3); short protein forms S33fs.
Identifiers: ClinVar variation 4552105 (VCV004552105.2).